The following is an entry in ClinVar:

NM_000138.5(FBN1):c.*2524A>G

Gene: FBN1 (fibrillin 1; minus strand). Cytogenetic location: 15q21.1.
Variant type: single nucleotide variant.
Coding change: c.*2524A>G on transcript NM_000138.5 (MANE Select); 2524 bases downstream of the stop codon, A replaced by G.
Molecular consequence: 3 prime UTR variant.
Genome position (GRCh38, 1-based): chr15:48,408,466, T>C on the plus strand (A>G on the coding strand, the complement: FBN1 is on the minus strand). VCF-style: chr15-48408466-T-C. GRCh37 (hg19) VCF-style: chr15-48700663-T-C.
Identifiers: ClinVar variation 316302 (VCV000316302.6), dbSNP rs75372203, ClinGen allele CA10646149.
Genomic context (GRCh38, chr15:48,408,466, plus strand): 5'-TTGGCTGAGTAAACTGCTATTTGTTGAACAAAAATGTAGTTGTTTGTGCAAGTTTAAACA[T>C]TTCACAAGGCCAGCTGAGTTCATTTCAACCCTACTTACAAAATAATTATTGGCAAATGAA-3'

ClinVar aggregate classification (germline): Benign/Likely benign. Review status: criteria provided, multiple submitters, no conflicts (2 of 4 stars). 8 submissions from 2 submitters: Benign (6); Likely benign (2). Last evaluated 2021-05-18.

Conditions:
Weill-Marchesani syndrome. Also called: WM Syndrome; Mesodermal dysmorphodystrophy congenital. Identifiers: Orphanet 3449, MedGen C0265313, MONDO:0018096.
Geleophysic dysplasia. Identifiers: Orphanet 2623, MedGen C3489726, MONDO:0000127.
Stiff skin syndrome (SSKS). Identifiers: Orphanet 2833, MedGen C1861456, MONDO:0008492, OMIM 184900.
Familial thoracic aortic aneurysm and aortic dissection (TAAD). Also called: Thoracic aortic aneurysms and dissections. Identifiers: Orphanet 91387, MedGen C4707243, MONDO:0019625.
Acromicric dysplasia (ACMICD). Also called: Acromicric skeletal dysplasia. Identifiers: Orphanet 969, MedGen C0265287, MONDO:0007055, OMIM 102370.
Ectopia lentis 1, isolated, autosomal dominant (ECTOL1). Identifiers: Orphanet 1885, MedGen C3541518, MONDO:0007514, OMIM 129600.
Marfan syndrome (MFS). Also called: Marfan syndrome type 1; Marfan's syndrome; MARFAN SYNDROME, TYPE I; Marfan syndrome, classic; FBN1-Related Marfan Syndrome. Identifiers: Orphanet 284963, Orphanet 558, MedGen C0024796, MONDO:0007947, OMIM 154700.

Allele frequency attached by ClinVar (database versions not stated): gnomAD 0.00297 and 0.00254; gnomAD exomes 0.01402; TOPMed 0.00272; 1000 Genomes Project 30x 0.00984; 1000 Genomes Project 0.00958.
gnomAD v4.1: 456 of 152,764 alleles (0.3%); highest among the groups gnomAD compares: East Asian, 3.1%; 5 homozygotes.

Submissions (8):

GeneDx
Classification: Likely benign. Last evaluated: 2021-05-18. Review status: criteria provided, single submitter. Criteria: GeneDx Variant Classification Process June 2021. Collection method: clinical testing. Allele origin: germline. Affected: yes.

Illumina Laboratory Services, Illumina
Classification: Benign for Ectopia lentis 1, isolated, autosomal dominant. Last evaluated: 2018-01-13. Review status: criteria provided, single submitter. Criteria: ICSL Variant Classification Criteria 13 December 2019. Collection method: clinical testing. Allele origin: germline.
Comment: This variant was observed in the ICSL laboratory as part of a predisposition screen in an ostensibly healthy population. It had not been previously curated by ICSL or reported in the Human Gene Mutation Database (HGMD: prior to June 1st, 2018), and was therefore a candidate for classification through an automated scoring system. Utilizing variant allele frequency, disease prevalence and penetrance estimates, and inheritance mode, an automated score was calculated to assess if this variant is too frequent to cause the disease. Based on the score and internal cut-off values, a variant classified as benign is not then subjected to further curation. The score for this variant resulted in a classification of benign for this disease.

Illumina Laboratory Services, Illumina
Classification: Benign for Geleophysic dysplasia. Last evaluated: 2018-01-13. Review status: criteria provided, single submitter. Criteria: ICSL Variant Classification Criteria 13 December 2019. Collection method: clinical testing. Allele origin: germline.
Comment: the same text as in the submission from Illumina Laboratory Services, Illumina above.

Illumina Laboratory Services, Illumina
Classification: Benign for Acromicric dysplasia. Last evaluated: 2018-01-13. Review status: criteria provided, single submitter. Criteria: ICSL Variant Classification Criteria 13 December 2019. Collection method: clinical testing. Allele origin: germline.
Comment: the same text as in the submission from Illumina Laboratory Services, Illumina above.

Illumina Laboratory Services, Illumina
Classification: Benign for Stiff skin syndrome. Last evaluated: 2018-01-13. Review status: criteria provided, single submitter. Criteria: ICSL Variant Classification Criteria 13 December 2019. Collection method: clinical testing. Allele origin: germline.
Comment: the same text as in the submission from Illumina Laboratory Services, Illumina above.

Illumina Laboratory Services, Illumina
Classification: Benign for Marfan syndrome. Last evaluated: 2018-01-13. Review status: criteria provided, single submitter. Criteria: ICSL Variant Classification Criteria 13 December 2019. Collection method: clinical testing. Allele origin: germline.
Comment: the same text as in the submission from Illumina Laboratory Services, Illumina above.

Illumina Laboratory Services, Illumina
Classification: Likely benign for Familial thoracic aortic aneurysm and aortic dissection. Last evaluated: 2018-01-13. Review status: criteria provided, single submitter. Criteria: ICSL Variant Classification Criteria 13 December 2019. Collection method: clinical testing. Allele origin: germline.
Comment: This variant was observed in the ICSL laboratory as part of a predisposition screen in an ostensibly healthy population. It had not been previously curated by ICSL or reported in the Human Gene Mutation Database (HGMD: prior to June 1st, 2018), and was therefore a candidate for classification through an automated scoring system. Utilizing variant allele frequency, disease prevalence and penetrance estimates, and inheritance mode, an automated score was calculated to assess if this variant is too frequent to cause the disease. Based on the score and internal cut-off values, a variant classified as likely benign is not then subjected to further curation. The score for this variant resulted in a classification of likely benign for this disease.

Illumina Laboratory Services, Illumina
Classification: Benign for Weill-Marchesani syndrome. Last evaluated: 2018-01-13. Review status: criteria provided, single submitter. Criteria: ICSL Variant Classification Criteria 13 December 2019. Collection method: clinical testing. Allele origin: germline.
Comment: the same text as in the submission from Illumina Laboratory Services, Illumina above.